The following is an entry in ClinVar:

ClinVar aggregate classification (germline): Uncertain significance (1 of 4 stars; one submission).

Conditions:
Renal cell carcinoma. Identifiers: Orphanet 217071, MedGen C0007134, MeSH D002292, MONDO:0005086, HP:0005584.

Submission:

Labcorp Genetics (formerly Invitae), Labcorp
Classification: Uncertain significance for Renal cell carcinoma. Last evaluated: 2024-05-31. Review status: criteria provided, single submitter. Criteria: Invitae Variant Classification Sherloc (09022015). Collection method: clinical testing. Allele origin: germline.
Comment: This sequence change replaces alanine, which is neutral and non-polar, with serine, which is neutral and polar, at codon 31 of the MET protein (p.Ala31Ser). This variant is not present in population databases (gnomAD no frequency). This variant has not been reported in the literature in individuals affected with MET-related conditions. Advanced modeling of protein sequence and biophysical properties (such as structural, functional, and spatial information, amino acid conservation, physicochemical variation, residue mobility, and thermodynamic stability) performed at Invitae indicates that this missense variant is not expected to disrupt MET protein function with a negative predictive value of 80%. In summary, the available evidence is currently insufficient to determine the role of this variant in disease. Therefore, it has been classified as a Variant of Uncertain Significance.

NM_000245.4(MET):c.91G>T (p.Ala31Ser)

Gene: MET (MET proto-oncogene, receptor tyrosine kinase; plus strand). Cytogenetic location: 7q31.2.
Variant type: single nucleotide variant.
Coding change: c.91G>T on transcript NM_000245.4 (MANE Select); coding-DNA position 91, G replaced by T.
Protein change: p.Ala31Ser; replaces alanine 31 with serine.
Molecular consequence: missense variant. On other transcripts: intron variant (1).
Genome position (GRCh38, 1-based): chr7:116,699,175, G>T. VCF-style: chr7-116699175-G-T. GRCh37 (hg19) VCF-style: chr7-116339229-G-T.
Other names: c.91G>T, p.Ala31Ser (NM_001127500.3, NM_001324401.3); c.-91+26598G>T (NM_001324402.2); short protein forms A31S.
Identifiers: ClinVar variation 3655090 (VCV003655090.2).